The following is an entry in ClinVar:

NM_001035.3(RYR2):c.3484G>A (p.Val1162Met)

Gene: RYR2 (ryanodine receptor 2; plus strand). Cytogenetic location: 1q43.
Variant type: single nucleotide variant.
Coding change: c.3484G>A on transcript NM_001035.3 (MANE Select); coding-DNA position 3484, G replaced by A.
Protein change: p.Val1162Met; replaces valine 1162 with methionine.
Molecular consequence: missense variant.
Genome position (GRCh38, 1-based): chr1:237,569,205, G>A. VCF-style: chr1-237569205-G-A. GRCh37 (hg19) VCF-style: chr1-237732505-G-A.
Other names: c.3484G>A, p.Val1162Met (LRG_402t1); short protein forms V1162M.
Identifiers: ClinVar variation 463596 (VCV000463596.22), dbSNP rs377030538, ClinGen allele CA39783438.
Genomic context (GRCh38, chr1:237,569,205, plus strand): 5'-GCCCAGCGGTGGCATCAGGGCAATGAACACTATGGGCGCTCTTGGCAAGCAGGCGATGTC[G>A]TGGGGTGTATGGTTGACATGAACGAACACACCATGATGTTCACACTGAATGGTGAAATCC-3'
Protein context (NP_001026.2, residues 1152-1172): YGRSWQAGDV[Val1162Met]GCMVDMNEHT

ClinVar aggregate classification (germline): Conflicting classifications of pathogenicity. Review status: criteria provided, conflicting classifications (1 of 4 stars). 7 submissions from 7 submitters: Uncertain significance (6); Likely benign (1). Last evaluated 2026-01-13.

Conditions:
Cardiovascular phenotype. Identifiers: MedGen CN230736.
Arrhythmogenic right ventricular cardiomyopathy (ARVD). Also called: Arrhythmogenic Right Ventricular Cardiomyopathy (ARVC); Arrhythmogenic right ventricular dysplasia; Cardiomyopathy, ARVC; Arrhythmogenic cardiomyopathy. Identifiers: Orphanet 247, MedGen C0349788, MeSH D019571, MONDO:0016587. Disease mechanism: loss of function. Inheritance: Various modes of inheritance.
Catecholaminergic polymorphic ventricular tachycardia (CVPT). Also called: Catecholamine-induced polymorphic ventricular tachycardia. Identifiers: Orphanet 3286, MedGen C5574922, MONDO:0017990.
Catecholaminergic polymorphic ventricular tachycardia 1. Also called: VENTRICULAR TACHYCARDIA, CATECHOLAMINERGIC POLYMORPHIC, 1, WITH OR WITHOUT ATRIAL DYSFUNCTION AND/OR DILATED CARDIOMYOPATHY; RYR2-Related Catecholaminergic Polymorphic Ventricular Tachycardia; VENTRICULAR TACHYCARDIA, STRESS-INDUCED POLYMORPHIC 1. Identifiers: Orphanet 3286, MedGen C1631597, MONDO:0011484, OMIM 604772.
Cardiomyopathy (CMYO). Also called: Cardiomyopathies. Identifiers: Orphanet 167848, MedGen C0878544, MONDO:0004994, HP:0001638. Inheritance: Various modes of inheritance.

Allele frequency attached by ClinVar (database versions not stated): gnomAD exomes below 0.00001 and 0.00001; gnomAD 0.00001 and 0.00002; TOPMed 0.00003; ESP Exome Variant Server 0.00008.
gnomAD v4.1: 33 of 1,613,840 alleles (0.002%); highest among the groups gnomAD compares: East Asian, 0.0022%; no homozygotes.

Submissions (7):

Labcorp Genetics (formerly Invitae), Labcorp
Classification: Uncertain significance for Catecholaminergic polymorphic ventricular tachycardia 1. Last evaluated: 2026-01-13. Review status: criteria provided, single submitter. Criteria: Invitae Variant Classification Sherloc (09022015). Collection method: clinical testing. Allele origin: germline.
Comment: This sequence change replaces valine, which is neutral and non-polar, with methionine, which is neutral and non-polar, at codon 1162 of the RYR2 protein (p.Val1162Met). This variant is present in population databases (rs377030538, gnomAD 0.0009%). This missense change has been observed in individual(s) with catecholaminergic polymorphic ventricular tachycardia (PMID: 39095282). ClinVar contains an entry for this variant (Variation ID: 463596). Invitae Evidence Modeling of protein sequence and biophysical properties (such as structural, functional, and spatial information, amino acid conservation, physicochemical variation, residue mobility, and thermodynamic stability) indicates that this missense variant is not expected to disrupt RYR2 protein function with a negative predictive value of 95%. In summary, the available evidence is currently insufficient to determine the role of this variant in disease. Therefore, it has been classified as a Variant of Uncertain Significance.

Color Diagnostics, LLC DBA Color Health
Classification: Uncertain significance for Cardiomyopathy. Last evaluated: 2025-03-10. Review status: criteria provided, single submitter. Criteria: ACMG Guidelines, 2015. Collection method: clinical testing. Allele origin: germline.
Comment: This variant replaces valine with methionine at codon 1162 of the RYR2 protein. Computational prediction suggests that this variant may not impact protein structure and function (internally defined REVEL score threshold <= 0.5, PMID: 27666373). To our knowledge, functional studies have not been reported for this variant. This variant has been reported in two individuals affected with catecholaminergic polymorphic ventricular tachycardia (PMID: 39095282). This variant has been identified in 1/249158 chromosomes in the general population by the Genome Aggregation Database (gnomAD). The available evidence is insufficient to determine the role of this variant in disease conclusively. Therefore, this variant is classified as a Variant of Uncertain Significance.

Ambry Genetics
Classification: Uncertain significance for Cardiovascular phenotype. Last evaluated: 2024-11-01. Review status: criteria provided, single submitter. Criteria: Ambry Variant Classification Scheme 2023. Collection method: clinical testing. Allele origin: germline.
Comment: The p.V1162M variant (also known as c.3484G>A), located in coding exon 29 of the RYR2 gene, results from a G to A substitution at nucleotide position 3484. The valine at codon 1162 is replaced by methionine, an amino acid with highly similar properties. This variant has been reported in an individual(s) in a catecholaminergic polymorphic ventricular tachycardia (CPVT) cohort, but clinical details were limited (Hsu GC et al. J Formos Med Assoc, 2024 Aug:[ePub ahead of print]). This amino acid position is highly conserved in available vertebrate species. In addition, the in silico prediction for this alteration is inconclusive. Based on the available evidence, the clinical significance of this variant remains unclear.

Blueprint Genetics
Classification: Likely benign. Last evaluated: 2024-07-02. Review status: criteria provided, single submitter. Criteria: ACMG Guidelines, 2015. Collection method: clinical testing. Allele origin: germline.

All of Us Research Program, National Institutes of Health
Classification: Uncertain significance for Catecholaminergic polymorphic ventricular tachycardia. Last evaluated: 2024-01-03. Review status: criteria provided, single submitter. Criteria: ACMG Guidelines, 2015. Collection method: clinical testing. Allele origin: germline. Inheritance: Autosomal dominant inheritance. Observed: 8 variant alleles, 8 heterozygotes.
Comment: This variant replaces valine with methionine at codon 1162 of the RYR2 protein. Computational prediction suggests that this variant may not impact protein structure and function (internally defined REVEL score threshold <= 0.5, PMID: 27666373). To our knowledge, functional studies have not been reported for this variant. This variant has not been reported in individuals affected with cardiovascular disorders in the literature. This variant has been identified in 1/249158 chromosomes in the general population by the Genome Aggregation Database (gnomAD). The available evidence is insufficient to determine the role of this variant in disease conclusively. Therefore, this variant is classified as a Variant of Uncertain Significance.

This study involves interpretation of variants in research participants for the purpose of population health screening. Participant phenotype was not available at the time of variant classification. Additional details can be found in publication PMID: 35346344, PMCID: PMC8962531

Clinical Genomics Laboratory, Stanford Medicine
Classification: Uncertain significance for Catecholaminergic polymorphic ventricular tachycardia 1. Last evaluated: 2022-11-15. Review status: criteria provided, single submitter. Criteria: ACMG Guidelines, 2015. Collection method: clinical testing. Allele origin: germline. Observed: 1 variant allele, 1 heterozygote.
Comment: The p.Val1162Met variant in the RYR2 gene has not been previously reported in association with disease. This variant has been identified in 1/112942 European (non-Finnish) chromosomes by the Genome Aggregation Database. This variant is present in ClinVar (Variation ID: 463596). The RYR2 gene has fewer missense variants in the general population than expected. A low rate of missense variation may suggest that this gene is intolerant to missense variation. Computational tools predict that this variant is neither deleterious nor benign; however, the accuracy of in silico algorithms is limited. These data were assessed using the ACMG/AMP variant interpretation guidelines. In summary, the significance of the p.Val1162Met variant is uncertain. Additional information is needed to resolve the significance of this variant. [ACMG evidence codes used: PM2; PP2]

CSER _CC_NCGL, University of Washington
Classification: Uncertain significance for Arrhythmogenic right ventricular dysplasia. Last evaluated: 2016-10-01. Review status: criteria provided, single submitter. Criteria: Amendola et al. (Genome Res. 2015). Collection method: research. Allele origin: germline. Affected: no. Study: CSER - NEXT Medicine variant annotation.
Comment: This interpretation considers GERP score and allele frequency data, in addition to published reports of the variant in the literature, available at the time of review.

Literature cited by the submitters: PubMed 39095282 (cited by 3 submitters).